The following is an entry in ClinVar:

ClinVar aggregate classification (germline): Pathogenic (1 of 4 stars; one submission).

Conditions:
Hereditary cancer-predisposing syndrome. Also called: Hereditary Cancer Syndrome; Hereditary neoplastic syndrome; Neoplastic Syndromes, Hereditary; Tumor predisposition. Identifiers: Orphanet 140162, MedGen C0027672, MeSH D009386, MONDO:0015356.

Submission:

Ambry Genetics
Classification: Pathogenic for Hereditary cancer-predisposing syndrome. Last evaluated: 2025-05-13. Review status: criteria provided, single submitter. Criteria: Ambry Variant Classification Scheme 2023. Collection method: clinical testing. Allele origin: germline.
Comment: The p.E54* pathogenic mutation (also known as c.160G>T), located in coding exon 3 of the PALB2 gene, results from a G to T substitution at nucleotide position 160. This changes the amino acid from a glutamic acid to a stop codon within coding exon 3. This variant is considered to be rare based on population cohorts in the Genome Aggregation Database (gnomAD). This alteration is expected to result in loss of function by premature protein truncation or nonsense-mediated mRNA decay. As such, this alteration is interpreted as a disease-causing mutation.

NM_024675.4(PALB2):c.160G>T (p.Glu54Ter)

Gene: PALB2 (partner and localizer of BRCA2; minus strand). Cytogenetic location: 16p12.2.
Variant type: single nucleotide variant.
Coding change: c.160G>T on transcript NM_024675.4 (MANE Select); coding-DNA position 160, G replaced by T.
Protein change: p.Glu54Ter; replaces glutamic acid 54 with a stop codon.
Molecular consequence: nonsense. On other transcripts: 5 prime UTR variant (8), intron variant (3).
Genome position (GRCh38, 1-based): chr16:23,637,901, C>A on the plus strand (G>T on the coding strand, the complement: PALB2 is on the minus strand). VCF-style: chr16-23637901-C-A. GRCh37 (hg19) VCF-style: chr16-23649222-C-A.
Other names: c.100G>T, p.Glu34Ter (NM_001407296.1); c.160G>T, p.Glu54Ter (NM_001407297.1, NM_001407298.1, NM_001407299.1 and 3 more transcripts); c.-726G>T (NM_001407304.1, NM_001407305.1, NM_001407306.1 and 5 more transcripts); c.48+3209G>T (NM_001407314.1); c.-105+3209G>T (NM_001407313.1, NM_001407312.1); short protein forms E54*, E34*.
Identifiers: ClinVar variation 3927436 (VCV003927436.1).